The following is an entry in ClinVar:

ClinVar aggregate classification (germline): Conflicting classifications of pathogenicity. Review status: criteria provided, conflicting classifications (1 of 4 stars). 4 submissions from 4 submitters: Uncertain significance (1); Likely benign (1). 2 of the submissions do not count toward it. Last evaluated 2023-07-17.

Conditions:
Marfan syndrome (MFS). Also called: FBN1-Related Marfan Syndrome; MARFAN SYNDROME, TYPE I; Marfan syndrome type 1; Marfan's syndrome; Marfan syndrome, classic. Identifiers: Orphanet 284963, Orphanet 558, MedGen C0024796, MONDO:0007947, OMIM 154700.
Familial thoracic aortic aneurysm and aortic dissection (TAAD). Also called: Thoracic aortic aneurysms and dissections. Identifiers: Orphanet 91387, MedGen C4707243, MONDO:0019625.

Allele frequency attached by ClinVar (database versions not stated): gnomAD exomes below 0.00001.
gnomAD v4.1: 2 of 1,612,156 alleles (0.00012%); highest among the groups gnomAD compares: East Asian, 0.0022%; no homozygotes.

Submissions (4):

Labcorp Genetics (formerly Invitae), Labcorp
Classification: Likely benign for Marfan syndrome; Familial thoracic aortic aneurysm and aortic dissection. Last evaluated: 2023-07-17. Review status: criteria provided, single submitter. Criteria: Invitae Variant Classification Sherloc (09022015). Collection method: clinical testing. Allele origin: germline.

GeneDx
Classification: Uncertain significance. Last evaluated: 2021-10-21. Review status: criteria provided, single submitter. Criteria: GeneDx Variant Classification Process June 2021. Collection method: clinical testing. Allele origin: germline. Affected: yes.
Comment: Has not been previously published as pathogenic or benign to our knowledge; Not observed at significant frequency in large population cohorts (Lek et al., 2016); In silico analysis supports that this missense variant does not alter protein structure/function; In addition, in silico splice analysis is inconclusive as to whether the variant alters gene splicing; in the absence of RNA/functional studies, the actual effect of this sequence change is unknown; Reported in ClinVar (ClinVar Variant ID #1008866; Landrum et al., 2016)

Diagnostic Laboratory, Department of Genetics, University Medical Center Groningen
Classification: Uncertain significance. Review status: no assertion criteria provided. Collection method: clinical testing. Allele origin: germline. Affected: yes. Study: VKGL Data-share Consensus. Not counted in ClinVar's aggregate classification.

Genome Diagnostics Laboratory, Amsterdam University Medical Center
Classification: Uncertain significance. Review status: no assertion criteria provided. Collection method: clinical testing. Allele origin: germline. Affected: yes. Study: VKGL Data-share Consensus. Not counted in ClinVar's aggregate classification.

NM_000138.5(FBN1):c.6314A>T (p.Glu2105Val)

Gene: FBN1 (fibrillin 1; minus strand). Cytogenetic location: 15q21.1.
Variant type: single nucleotide variant.
Coding change: c.6314A>T on transcript NM_000138.5 (MANE Select); coding-DNA position 6314, A replaced by T.
Protein change: p.Glu2105Val; replaces glutamic acid 2105 with valine.
Molecular consequence: missense variant.
Genome position (GRCh38, 1-based): chr15:48,437,387, T>A on the plus strand (A>T on the coding strand, the complement: FBN1 is on the minus strand). VCF-style: chr15-48437387-T-A. GRCh37 (hg19) VCF-style: chr15-48729584-T-A.
Other names: short protein forms E2105V.
Identifiers: ClinVar variation 1008866 (VCV001008866.14), dbSNP rs1165109120, ClinGen allele CA392336870.